The following is an entry in ClinVar:

NM_016519.6(AMBN):c.209C>G (p.Ser70Ter)

Gene: AMBN (ameloblastin; plus strand). Cytogenetic location: 4q13.3.
Variant type: single nucleotide variant.
Coding change: c.209C>G on transcript NM_016519.6 (MANE Select); coding-DNA position 209, C replaced by G.
Protein change: p.Ser70Ter; replaces serine 70 with a stop codon.
Molecular consequence: nonsense.
Genome position (GRCh38, 1-based): chr4:70,599,561, C>G. VCF-style: chr4-70599561-C-G. GRCh37 (hg19) VCF-style: chr4-71465278-C-G.
Other names: short protein forms S70*.
Identifiers: ClinVar variation 1702585 (VCV001702585.30), dbSNP rs146148316, ClinGen allele CA2951267.

ClinVar aggregate classification (germline): Uncertain significance. Review status: criteria provided, multiple submitters, no conflicts (2 of 4 stars). 3 submissions from 3 submitters: Uncertain significance (2). 1 of the submissions does not count toward it. Last evaluated 2023-03-01.

Conditions:
Amelogenesis imperfecta type 1F (AI1F). Also called: AMELOGENESIS IMPERFECTA, HYPOPLASTIC TYPE IF; Amelogenesis imperfecta, type IF. Identifiers: Orphanet 88661, MedGen C4225394, MONDO:0014560, OMIM 616270.

Allele frequency attached by ClinVar (database versions not stated): gnomAD exomes 0.00009 and 0.00043; ExAC 0.00010; gnomAD 0.00011 and 0.00013; TOPMed 0.00014; ESP Exome Variant Server 0.00046.
gnomAD v4.1: 636 of 1,612,454 alleles (0.039%); highest among the groups gnomAD compares: Non-Finnish European, 0.052%; 1 homozygote.

Submissions (3):

Reference Center For Rare Oral And Dental Diseases, CRMR O-Rares, Hôpitaux Universitaires De Strasbourg
Classification: Uncertain significance for Amelogenesis imperfecta type 1F. Last evaluated: 2023-03-01. Review status: criteria provided, single submitter. Criteria: ACMG Guidelines, 2015. Collection method: clinical testing. Allele origin: unknown. Affected: yes.

GeneDx
Classification: Uncertain significance. Last evaluated: 2022-02-10. Review status: criteria provided, single submitter. Criteria: GeneDx Variant Classification Process June 2021. Collection method: clinical testing. Allele origin: germline. Affected: yes.
Comment: Nonsense variant predicted to result in protein truncation or nonsense mediated decay in a gene for which loss-of-function is not a known mechanism of disease; Has not been previously published as pathogenic or benign to our knowledge

Leeds Amelogenesis Imperfecta Research Group, University of Leeds
Classification: Pathogenic for Amelogenesis imperfecta type 1F. Last evaluated: 2023-05-04. Review status: no assertion criteria provided. Collection method: research. Allele origin: unknown. Affected: yes. Observed: 1 variant allele. Not counted in ClinVar's aggregate classification.